The following is an entry in ClinVar:

ClinVar aggregate classification (germline): Uncertain significance (1 of 4 stars; one submission).

Conditions:
Inborn genetic diseases. Identifiers: MedGen C0950123, MeSH D030342.

Allele frequency attached by ClinVar (database versions not stated): gnomAD exomes below 0.00001 and 0.00001; ExAC 0.00001.
gnomAD v4.1: 2 of 1,209,702 alleles (0.00017%); highest among the groups gnomAD compares: Admixed American, 0.0022%; no homozygotes.

Submission:

Ambry Genetics
Classification: Uncertain significance for Inborn genetic diseases. Last evaluated: 2020-05-28. Review status: criteria provided, single submitter. Criteria: Ambry Variant Classification Scheme 2023. Collection method: clinical testing. Allele origin: germline.
Comment: The alteration results in an amino acid change:_x000D_ _x000D_ The c.263A>G (p.H88R) alteration is located in coding exon 3 of the AFF2 gene. This alteration results from a A to G substitution at nucleotide position 263, causing the histidine (H) at amino acid position 88 to be replaced by an arginine (R). The alteration is rare in population databases:_x000D_ _x000D_ Based on data from the Genome Aggregation Database (gnomAD) database, the AFF2 c.263A>G alteration was observed in 0.0005% (1/183370) of total alleles studied, and none were hemizygous. The altered amino acid is conserved throughout evolution:_x000D_ _x000D_ The p.H88 amino acid is conserved in available vertebrate species. The alteration is predicted tolerated by in silico modeling:_x000D_ _x000D_ The p.H88R alteration is predicted to be tolerated by in silico analysis. Based on insufficient or conflicting evidence, the clinical significance of this alteration remains unclear.

NM_002025.4(AFF2):c.263A>G (p.His88Arg)

Gene: AFF2 (ALF transcription elongation factor 2; plus strand). Cytogenetic location: Xq28.
Variant type: single nucleotide variant.
Coding change: c.263A>G on transcript NM_002025.4 (MANE Select); coding-DNA position 263, A replaced by G.
Protein change: p.His88Arg; replaces histidine 88 with arginine.
Molecular consequence: missense variant.
Genome position (GRCh38, 1-based): chrX:148,661,990, A>G. VCF-style: chrX-148661990-A-G. GRCh37 (hg19) VCF-style: chrX-147743511-A-G.
Other names: c.251A>G, p.His84Arg (NM_001169122.2, NM_001169123.2, NM_001169125.2); c.263A>G, p.His88Arg (NM_001169124.2); short protein forms H84R, H88R.
Identifiers: ClinVar variation 985050 (VCV000985050.4), dbSNP rs782381902, ClinGen allele CA10536789.